The following is an entry in ClinVar:

ClinVar aggregate classification (germline): Uncertain significance (1 of 4 stars; one submission).

Allele frequency attached by ClinVar (database versions not stated): TOPMed 0.00002; ExAC 0.00003; ESP Exome Variant Server 0.00008.
gnomAD v4.1: 12 of 1,613,962 alleles (0.00074%); highest among the groups gnomAD compares: Middle Eastern, 0.017%; no homozygotes.

Submission:

Labcorp Genetics (formerly Invitae), Labcorp
Classification: Uncertain significance. Last evaluated: 2022-08-10. Review status: criteria provided, single submitter. Criteria: Invitae Variant Classification Sherloc (09022015). Collection method: clinical testing. Allele origin: germline.
Comment: Algorithms developed to predict the effect of missense changes on protein structure and function are either unavailable or do not agree on the potential impact of this missense change (SIFT: "Deleterious"; PolyPhen-2: "Possibly Damaging"; Align-GVGD: "Class C0"). Algorithms developed to predict the effect of sequence changes on RNA splicing suggest that this variant may create or strengthen a splice site. In summary, the available evidence is currently insufficient to determine the role of this variant in disease. Therefore, it has been classified as a Variant of Uncertain Significance. This variant has not been reported in the literature in individuals affected with MYO5B-related conditions. This sequence change replaces arginine, which is basic and polar, with glutamine, which is neutral and polar, at codon 706 of the MYO5B protein (p.Arg706Gln). This variant is present in population databases (rs373021162, gnomAD 0.006%).

NM_001080467.3(MYO5B):c.2117G>A (p.Arg706Gln)

Gene: MYO5B (myosin VB; minus strand). Cytogenetic location: 18q21.1.
Variant type: single nucleotide variant.
Coding change: c.2117G>A on transcript NM_001080467.3 (MANE Select); coding-DNA position 2117, G replaced by A.
Protein change: p.Arg706Gln; replaces arginine 706 with glutamine.
Molecular consequence: missense variant.
Genome position (GRCh38, 1-based): chr18:49,912,147, C>T on the plus strand (G>A on the coding strand, the complement: MYO5B is on the minus strand). VCF-style: chr18-49912147-C-T. GRCh37 (hg19) VCF-style: chr18-47438517-C-T.
Other names: short protein forms R706Q.
Identifiers: ClinVar variation 1968054 (VCV001968054.4), dbSNP rs373021162, ClinGen allele CA8961204.